The following is an entry in ClinVar:

NM_000108.5(DLD):c.*1640A>G

Gene: DLD (dihydrolipoamide dehydrogenase; plus strand). Cytogenetic location: 7q31.1.
Variant type: single nucleotide variant.
Coding change: c.*1640A>G on transcript NM_000108.5 (MANE Select); 1640 bases downstream of the stop codon, A replaced by G.
Molecular consequence: 3 prime UTR variant.
Genome position (GRCh38, 1-based): chr7:107,920,899, A>G. VCF-style: chr7-107920899-A-G. GRCh37 (hg19) VCF-style: chr7-107561344-A-G.
Other names: c.*1640A>G (NM_001289750.1, NM_001289751.1, NM_001289752.1).
Identifiers: ClinVar variation 911751 (VCV000911751.4), dbSNP rs148148357, ClinGen allele CA164262766.

ClinVar aggregate classification (germline): Conflicting classifications of pathogenicity. Review status: criteria provided, conflicting classifications (1 of 4 stars). 3 submissions from 1 submitter: Uncertain significance (2); Likely benign (1). Last evaluated 2018-01-12.

Conditions:
Leigh syndrome (NULS). Also called: Leigh's syndrome; LEIGH SYNDROME, NUCLEAR; Leigh's necrotizing encephalopathy; Leigh's disease; Leigh Syndrome (mtDNA deletion); Leigh Disease. Identifiers: Orphanet 506, MedGen C2931891, MONDO:0009723, OMIM 256000.
Pyruvate dehydrogenase E3 deficiency (DLDD). Also called: Dihydrolipoamide Dehydrogenase (E3) Deficiency; Lipoamide dehydrogenase deficiency, lactic acidosis due to; Lipoamide dehydrogenase deficiency; Dihydrolipoamide Dehydrogenase Deficiency; MAPLE SYRUP URINE DISEASE, TYPE III; DLD DEFICIENCY. Identifiers: Orphanet 2394, Orphanet 765, MedGen C5574660, MONDO:0009529, OMIM 246900.
Pyruvate dehydrogenase complex deficiency (PDHC). Also called: PDH DEFICIENCY; PYRUVATE DECARBOXYLASE DEFICIENCY; Pyruvate Dehydrogenase Complex Deficiency Disease; Pyruvate dehydrogenase deficiency; Ataxia with lactic acidosis 1. Identifiers: Orphanet 765, Orphanet 79243, MedGen C0034345, MONDO:0019169.

Allele frequency attached by ClinVar (database versions not stated): TOPMed 0.00032; gnomAD 0.00207 and 0.00209; 1000 Genomes Project 30x 0.00219; 1000 Genomes Project 0.00240.

Submissions (3):

Illumina Laboratory Services, Illumina
Classification: Likely benign for Pyruvate dehydrogenase E3 deficiency. Last evaluated: 2018-01-12. Review status: criteria provided, single submitter. Criteria: ICSL Variant Classification Criteria 13 December 2019. Collection method: clinical testing. Allele origin: germline.
Comment: This variant was observed in the ICSL laboratory as part of a predisposition screen in an ostensibly healthy population. It had not been previously curated by ICSL or reported in the Human Gene Mutation Database (HGMD: prior to June 1st, 2018), and was therefore a candidate for classification through an automated scoring system. Utilizing variant allele frequency, disease prevalence and penetrance estimates, and inheritance mode, an automated score was calculated to assess if this variant is too frequent to cause the disease. Based on the score and internal cut-off values, a variant classified as likely benign is not then subjected to further curation. The score for this variant resulted in a classification of likely benign for this disease.

Illumina Laboratory Services, Illumina
Classification: Uncertain significance for Pyruvate dehydrogenase complex deficiency. Last evaluated: 2018-01-12. Review status: criteria provided, single submitter. Criteria: ICSL Variant Classification Criteria 13 December 2019. Collection method: clinical testing. Allele origin: germline.

Illumina Laboratory Services, Illumina
Classification: Uncertain significance for Leigh syndrome. Last evaluated: 2018-01-12. Review status: criteria provided, single submitter. Criteria: ICSL Variant Classification Criteria 13 December 2019. Collection method: clinical testing. Allele origin: germline.